The following is an entry in ClinVar:

NM_001042492.3(NF1):c.6642+87G>T

Gene: NF1 (neurofibromin 1; plus strand). Cytogenetic location: 17q11.2.
Variant type: single nucleotide variant.
Coding change: c.6642+87G>T on transcript NM_001042492.3 (MANE Select); 87 bases into the intron after coding-DNA position 6642, G replaced by T.
Molecular consequence: intron variant.
Genome position (GRCh38, 1-based): chr17:31,337,669, G>T. VCF-style: chr17-31337669-G-T. GRCh37 (hg19) VCF-style: chr17-29664687-G-T.
Other names: c.6579+87G>T (NM_000267.4).
Identifiers: ClinVar variation 3044321 (VCV003044321.2), dbSNP rs573285677, ClinGen allele CA2255602472.

ClinVar aggregate classification (germline): Likely benign (0 of 4 stars; one submission).

Conditions:
NF1-related disorder. Also called: NF1-related condition. Identifiers: MedGen CN379171.

gnomAD v4.1: 23 of 1,434,184 alleles (0.0016%); highest among the groups gnomAD compares: East Asian, 0.0074%; no homozygotes.

Submission:

PreventionGenetics, part of Exact Sciences
Classification: Likely benign for NF1-related condition. Last evaluated: 2022-10-18. Review status: no assertion criteria provided. Collection method: clinical testing. Allele origin: germline.
Comment: This variant is classified as likely benign based on ACMG/AMP sequence variant interpretation guidelines (Richards et al. 2015 PMID: 25741868, with internal and published modifications).